The following is an entry in ClinVar:

ClinVar aggregate classification (germline): not provided (0 of 4 stars; one submission).

Conditions:
Tuberous sclerosis 2 (TSC2). Identifiers: Orphanet 805, MedGen C1860707, MONDO:0013199, OMIM 613254.

Allele frequency attached by ClinVar (database versions not stated): gnomAD 0.00001 and 0.00003; gnomAD exomes 0.00002 and 0.00012; TOPMed 0.00002; ExAC 0.00011; 1000 Genomes Project 0.00020; 1000 Genomes Project 30x 0.00031.
gnomAD v4.1: 37 of 1,604,884 alleles (0.0023%); highest among the groups gnomAD compares: East Asian, 0.078%; no homozygotes.

Submission:

Hubei Clinical and Research Center of Thrombosis and Hemostasis Institute of Hematology, Union Hospital
No classification provided. Review status: no classification provided. Collection method: not provided. Allele origin: not provided.
Comment: test comment 2

NM_000488.4(SERPINC1):c.-35C>T

Gene: SERPINC1 (serpin family C member 1; minus strand). Cytogenetic location: 1q25.1.
Variant type: single nucleotide variant.
Coding change: c.-35C>T on transcript NM_000488.4 (MANE Select); 35 bases upstream of the start codon, C replaced by T.
Molecular consequence: 5 prime UTR variant.
Genome position (GRCh38, 1-based): chr1:173,917,294, G>A on the plus strand (C>T on the coding strand, the complement: SERPINC1 is on the minus strand). VCF-style: chr1-173917294-G-A. GRCh37 (hg19) VCF-style: chr1-173886432-G-A.
Other names: c.-348C>T (NM_001365052.2); c.-35C>T (NM_001386302.1, NM_001386303.1, NM_001386304.1 and 2 more transcripts).
Identifiers: ClinVar variation 100922 (VCV000100922.1), dbSNP rs200460215, ClinGen allele CA150666.